The following is an entry in ClinVar:

NM_000554.6(CRX):c.118C>T (p.Arg40Trp)

Gene: CRX (cone-rod homeobox; plus strand). Cytogenetic location: 19q13.33.
Variant type: single nucleotide variant.
Coding change: c.118C>T on transcript NM_000554.6 (MANE Select); coding-DNA position 118, C replaced by T.
Protein change: p.Arg40Trp; replaces arginine 40 with tryptophan.
Molecular consequence: missense variant.
Genome position (GRCh38, 1-based): chr19:47,836,260, C>T. VCF-style: chr19-47836260-C-T. GRCh37 (hg19) VCF-style: chr19-48339517-C-T.
Other names: short protein forms R40W.
Identifiers: ClinVar variation 864383 (VCV000864383.18), dbSNP rs749738655, ClinGen allele CA9544401.

ClinVar aggregate classification (germline): Pathogenic/Likely pathogenic. Review status: criteria provided, multiple submitters, no conflicts (2 of 4 stars). 8 submissions from 8 submitters: Pathogenic (2); Likely pathogenic (6). Last evaluated 2025-10-08.

Conditions:
Cone-rod dystrophy 2 (CORD2). Also called: CONE-ROD RETINAL DYSTROPHY; Cone-rod retinal dystrophy 2. Identifiers: Orphanet 1872, MedGen C3489532, MONDO:0007362, OMIM 120970.
Leber congenital amaurosis 7 (LCA7). Identifiers: Orphanet 65, MedGen C3151192, MONDO:0013449, OMIM 613829.
Retinitis pigmentosa (RP). Identifiers: Orphanet 791, MedGen C0035334, MeSH D012174, MONDO:0019200, OMIM 268000. Inheritance: Autosomal dominant, autosomal recessive and X linked inheritance.
CRX-related disorders.
Retinal dystrophy. Also called: Inherited retinal dystrophy. Identifiers: Orphanet 71862, MedGen C0854723, MeSH D058499, MONDO:0019118, HP:0000556.

Allele frequency attached by ClinVar (database versions not stated): gnomAD exomes below 0.00001; TOPMed below 0.00001; ExAC 0.00001; gnomAD 0.00001.
gnomAD v4.1: 2 of 1,613,996 alleles (0.00012%); highest among the groups gnomAD compares: African/African-American, 0.0013%; no homozygotes.

Submissions (8):

Labcorp Genetics (formerly Invitae), Labcorp
Classification: Pathogenic for Cone-rod dystrophy 2; Leber congenital amaurosis 7. Last evaluated: 2025-10-08. Review status: criteria provided, single submitter. Criteria: Invitae Variant Classification Sherloc (09022015). Collection method: clinical testing. Allele origin: germline.
Comment: This sequence change replaces arginine, which is basic and polar, with tryptophan, which is neutral and slightly polar, at codon 40 of the CRX protein (p.Arg40Trp). This variant is not present in population databases (gnomAD no frequency). This missense change has been observed in individuals with autosomal dominant cone-rod dystrophy (PMID: 26161267, 29785639, 31626798, 32533067). It has also been observed to segregate with disease in related individuals. ClinVar contains an entry for this variant (Variation ID: 864383). Invitae Evidence Modeling of protein sequence and biophysical properties (such as structural, functional, and spatial information, amino acid conservation, physicochemical variation, residue mobility, and thermodynamic stability) indicates that this missense variant is expected to disrupt CRX protein function with a positive predictive value of 95%. For these reasons, this variant has been classified as Pathogenic.

Revvity Omics, Revvity
Classification: Likely pathogenic. Last evaluated: 2025-02-27. Review status: criteria provided, single submitter. Criteria: ACMG Guidelines, 2015. Collection method: clinical testing. Allele origin: germline.

Lab De Baere, Eye and Developmental Genetics Lab, Ghent University
Classification: Likely pathogenic for Retinitis pigmentosa. Last evaluated: 2024-10-01. Review status: criteria provided, single submitter. Criteria: ACMG Guidelines, 2015. Collection method: research. Allele origin: inherited. Affected: yes. Observed: 1 variant allele.
Comment: ACMG/AMP guidelines: PM2_PP, PP4_PP, PP3, PM5, PP1

Blueprint Genetics
Classification: Pathogenic for CRX-related disorders. Last evaluated: 2024-04-10. Review status: criteria provided, single submitter. Criteria: ACMG Guidelines, 2015. Collection method: clinical testing. Allele origin: germline. Affected: yes. Observed: 5 variant alleles.

Dept Of Ophthalmology, Nagoya University
Classification: Likely pathogenic for Retinal dystrophy. Last evaluated: 2023-10-01. Review status: criteria provided, single submitter. Criteria: Submitter's publication. Collection method: research. Allele origin: germline. Affected: yes.

3billion
Classification: Likely pathogenic for Cone-rod dystrophy 2. Last evaluated: 2023-09-14. Review status: criteria provided, single submitter. Criteria: ACMG Guidelines, 2015. Collection method: clinical testing. Allele origin: germline. Affected: yes.
Comment: The variant is observed at an extremely low frequency in the gnomAD v2.1.1 dataset (total allele frequency: 0.000%). Predicted Consequence/Location: Protein truncation variants are a common disease-causing mechanism. In silico tool predictions suggest damaging effect of the variant on gene or gene product [REVEL: 0.94 (>=0.6, sensitivity 0.68 and specificity 0.92)]. Same nucleotide change resulting in same amino acid change has been previously reported as pathogenic/likely pathogenic with strong evidence (ClinVar ID: VCV000864383 /PMID: 26161267 /3billion dataset). A different missense change at the same codon (p.Arg40Gln) has been reported to be associated with CRX related disorder (ClinVar ID: VCV000437959 /PMID: 28041643). Therefore, this variant is classified as Likely pathogenic according to the recommendation of ACMG/AMP guideline.

GeneDx
Classification: Likely pathogenic. Last evaluated: 2023-07-18. Review status: criteria provided, single submitter. Criteria: GeneDx Variant Classification Process June 2021. Collection method: clinical testing. Allele origin: germline. Affected: yes.
Comment: Not observed at significant frequency in large population cohorts (gnomAD); In silico analysis supports that this missense variant has a deleterious effect on protein structure/function; This variant is associated with the following publications: (PMID: 31626798, 29785639, 32566799, 32533067, 33546218, 35836572, 37239417, 36284460, 32112665, 26161267)

Institute of Medical Molecular Genetics, University of Zurich
Classification: Likely pathogenic for Cone-rod dystrophy 2. Last evaluated: 2021-01-30. Review status: criteria provided, single submitter. Criteria: ACMG Guidelines, 2015. Collection method: clinical testing. Allele origin: unknown. Affected: yes.

Literature cited by the submitters: PubMed 26161267 (cited by Labcorp Genetics (formerly Invitae), Labcorp and 3billion); PubMed 29785639 (cited by Labcorp Genetics (formerly Invitae), Labcorp); PubMed 31626798 (cited by Labcorp Genetics (formerly Invitae), Labcorp); PubMed 32533067 (cited by Labcorp Genetics (formerly Invitae), Labcorp); PubMed 28041643 (cited by 3billion).